The following is an entry in ClinVar:

ClinVar aggregate classification (germline): Benign/Likely benign. Review status: criteria provided, multiple submitters, no conflicts (2 of 4 stars). 4 submissions from 4 submitters: Benign (1); Likely benign (3). Last evaluated 2024-08-08.

Conditions:
Hereditary cancer-predisposing syndrome. Also called: Hereditary Cancer Syndrome; Hereditary neoplastic syndrome; Neoplastic Syndromes, Hereditary; Tumor predisposition. Identifiers: Orphanet 140162, MedGen C0027672, MeSH D009386, MONDO:0015356.
Juvenile polyposis syndrome (JPS). Identifiers: Orphanet 2929, MedGen C0345893, MONDO:0017380, OMIM 174900.

Allele frequency attached by ClinVar (database versions not stated): gnomAD exomes below 0.00001.
gnomAD v4.1: 1 of 1,614,206 alleles (0.000062%); highest among the groups gnomAD compares: Non-Finnish European, 0.000085%; no homozygotes.

Submissions (4):

Myriad Genetics, Inc.
Classification: Benign for Juvenile polyposis syndrome. Last evaluated: 2024-08-08. Review status: criteria provided, single submitter. Criteria: Myriad Autosomal Dominant, Autosomal Recessive and X-Linked Classification Criteria (2023). Collection method: clinical testing. Allele origin: unknown.
Comment: This variant is considered benign. This variant is a silent/synonymous amino acid change and it is not expected to impact splicing.

Ambry Genetics
Classification: Likely benign for Hereditary cancer-predisposing syndrome. Last evaluated: 2024-05-11. Review status: criteria provided, single submitter. Criteria: Ambry Variant Classification Scheme 2023. Collection method: clinical testing. Allele origin: germline.

Labcorp Genetics (formerly Invitae), Labcorp
Classification: Likely benign for Juvenile polyposis syndrome. Last evaluated: 2022-01-25. Review status: criteria provided, single submitter. Criteria: Invitae Variant Classification Sherloc (09022015). Collection method: clinical testing. Allele origin: germline.

Color Diagnostics, LLC DBA Color Health
Classification: Likely benign for Hereditary cancer-predisposing syndrome. Last evaluated: 2021-03-16. Review status: criteria provided, single submitter. Criteria: ACMG Guidelines, 2015. Collection method: clinical testing. Allele origin: germline.

NM_004329.3(BMPR1A):c.1551T>A (p.Ile517=)

Gene: BMPR1A (bone morphogenetic protein receptor type 1A; plus strand). Cytogenetic location: 10q23.2.
Variant type: single nucleotide variant.
Coding change: c.1551T>A on transcript NM_004329.3 (MANE Select); coding-DNA position 1551, T replaced by A.
Protein change: p.Ile517=; no amino-acid change (isoleucine 517 retained).
Molecular consequence: synonymous variant.
Genome position (GRCh38, 1-based): chr10:86,923,671, T>A. VCF-style: chr10-86923671-T-A. GRCh37 (hg19) VCF-style: chr10-88683428-T-A.
Identifiers: ClinVar variation 1332405 (VCV001332405.12), dbSNP rs1471929511, ClinGen allele CA470308870.
Genomic context (GRCh38, chr10:86,923,671, plus strand): 5'-GAAGCTAATGTCAGAATGCTGGGCCCACAATCCAGCCTCCAGACTCACAGCATTGAGAAT[T>A]AAGAAGACGCTTGCCAAGATGGTTGAATCCCAAGATGTAAAAATCTGATGGTTAAACCAT-3'
Protein context (NP_004320.2, residues 507-527): NPASRLTALR[Ile517=]KKTLAKMVES